The following is an entry in ClinVar:

NM_133497.4(KCNV2):c.211C>A (p.Leu71Met)

Gene: KCNV2 (potassium voltage-gated channel modifier subfamily V member 2; plus strand). Cytogenetic location: 9p24.2.
Variant type: single nucleotide variant.
Coding change: c.211C>A on transcript NM_133497.4 (MANE Select); coding-DNA position 211, C replaced by A.
Protein change: p.Leu71Met; replaces leucine 71 with methionine.
Molecular consequence: missense variant.
Genome position (GRCh38, 1-based): chr9:2,717,950, C>A. VCF-style: chr9-2717950-C-A. GRCh37 (hg19) VCF-style: chr9-2717950-C-A.
Other names: short protein forms L71M.
Identifiers: ClinVar variation 1976921 (VCV001976921.5), dbSNP rs1430683520, ClinGen allele CA372795967.
Genomic context (GRCh38, chr9:2,717,950, plus strand): 5'-TATAACTACTACATCGAGGAAGACGAAGACGGCGAGGAGGAGGACCAGTGGAAGGACGAC[C>A]TGGCAGAAGAGGACCAGCAGGCAGGGGAGGTCACCACCGCCAAGCCCGAGGGCCCCAGCG-3'
Protein context (NP_598004.1, residues 61-81): GEEEDQWKDD[Leu71Met]AEEDQQAGEV

ClinVar aggregate classification (germline): Uncertain significance (1 of 4 stars; one submission).

gnomAD v4.1: 1 of 1,614,016 alleles (0.000062%); highest among the groups gnomAD compares: Admixed American, 0.0017%; no homozygotes.

Submission:

Labcorp Genetics (formerly Invitae), Labcorp
Classification: Uncertain significance. Last evaluated: 2022-07-12. Review status: criteria provided, single submitter. Criteria: Invitae Variant Classification Sherloc (09022015). Collection method: clinical testing. Allele origin: germline.
Comment: In summary, the available evidence is currently insufficient to determine the role of this variant in disease. Therefore, it has been classified as a Variant of Uncertain Significance. Advanced modeling of protein sequence and biophysical properties (such as structural, functional, and spatial information, amino acid conservation, physicochemical variation, residue mobility, and thermodynamic stability) performed at Invitae indicates that this missense variant is not expected to disrupt KCNV2 protein function. This variant has not been reported in the literature in individuals affected with KCNV2-related conditions. This variant is present in population databases (no rsID available, gnomAD 0.003%). This sequence change replaces leucine, which is neutral and non-polar, with methionine, which is neutral and non-polar, at codon 71 of the KCNV2 protein (p.Leu71Met).